The following is an entry in ClinVar:

NM_016219.5(MAN1B1):c.677C>T (p.Ala226Val)

Gene: MAN1B1 (mannosidase alpha class 1B member 1; plus strand). Cytogenetic location: 9q34.3.
Variant type: single nucleotide variant.
Coding change: c.677C>T on transcript NM_016219.5 (MANE Select); coding-DNA position 677, C replaced by T.
Protein change: p.Ala226Val; replaces alanine 226 with valine.
Molecular consequence: missense variant. On other transcripts: non-coding transcript variant (2).
Genome position (GRCh38, 1-based): chr9:137,097,884, C>T. VCF-style: chr9-137097884-C-T. GRCh37 (hg19) VCF-style: chr9-139992336-C-T.
Other names: c.677C>T (NM_016219.3); c.569C>T, p.Ala190Val (NM_007230.1); short protein forms A190V, A226V.
Identifiers: ClinVar variation 2159953 (VCV002159953.3), dbSNP rs145554887, ClinGen allele CA5358727.

ClinVar aggregate classification (germline): Uncertain significance. Review status: criteria provided, multiple submitters, no conflicts (2 of 4 stars). 2 submissions from 2 submitters: Uncertain significance (2). Last evaluated 2025-08-03.

Conditions:
Inborn genetic diseases. Identifiers: MedGen C0950123, MeSH D030342.
Rafiq syndrome (RAFQS). Identifiers: Orphanet 88616, MedGen C3280127, MONDO:0013624, OMIM 614202.

Allele frequency attached by ClinVar (database versions not stated): ExAC 0.00010; ESP Exome Variant Server 0.00016; gnomAD 0.00032.
gnomAD v4.1: 108 of 1,560,684 alleles (0.0069%); highest among the groups gnomAD compares: Admixed American, 0.13%; no homozygotes.

Submissions (2):

Ambry Genetics
Classification: Uncertain significance for Inborn genetic diseases. Last evaluated: 2025-08-03. Review status: criteria provided, single submitter. Criteria: Ambry Variant Classification Scheme 2023. Collection method: clinical testing. Allele origin: germline.

Labcorp Genetics (formerly Invitae), Labcorp
Classification: Uncertain significance for Rafiq syndrome. Last evaluated: 2023-12-06. Review status: criteria provided, single submitter. Criteria: Invitae Variant Classification Sherloc (09022015). Collection method: clinical testing. Allele origin: germline.
Comment: This sequence change replaces alanine, which is neutral and non-polar, with valine, which is neutral and non-polar, at codon 226 of the MAN1B1 protein (p.Ala226Val). This variant is present in population databases (rs145554887, gnomAD 0.08%). This variant has not been reported in the literature in individuals affected with MAN1B1-related conditions. ClinVar contains an entry for this variant (Variation ID: 2159953). Algorithms developed to predict the effect of missense changes on protein structure and function output the following: SIFT: "Not Available"; PolyPhen-2: "Benign"; Align-GVGD: "Not Available". The valine amino acid residue is found in multiple mammalian species, which suggests that this missense change does not adversely affect protein function. In summary, the available evidence is currently insufficient to determine the role of this variant in disease. Therefore, it has been classified as a Variant of Uncertain Significance.